The following is an entry in ClinVar:

ClinVar aggregate classification (germline): Likely benign (0 of 4 stars; one submission).

Conditions:
CADPS-related disorder. Also called: CADPS-related condition.

Allele frequency attached by ClinVar (database versions not stated): gnomAD exomes 0.00001; TOPMed 0.00003; ExAC 0.00007; ESP Exome Variant Server 0.00008; gnomAD 0.00011; 1000 Genomes Project 30x 0.00031.

Submission:

PreventionGenetics, part of Exact Sciences
Classification: Likely benign for CADPS-related condition. Last evaluated: 2021-12-02. Review status: no assertion criteria provided. Collection method: clinical testing. Allele origin: germline.
Comment: This variant is classified as likely benign based on ACMG/AMP sequence variant interpretation guidelines (Richards et al. 2015 PMID: 25741868, with internal and published modifications).

NM_003716.4(CADPS):c.1968C>T (p.Tyr656=)

Gene: CADPS (calcium dependent secretion activator; minus strand). Cytogenetic location: 3p14.2.
Variant type: single nucleotide variant.
Coding change: c.1968C>T on transcript NM_003716.4 (MANE Select); coding-DNA position 1968, C replaced by T.
Protein change: p.Tyr656=; no amino-acid change (tyrosine 656 retained).
Molecular consequence: synonymous variant.
Genome position (GRCh38, 1-based): chr3:62,536,580, G>A on the plus strand (C>T on the coding strand, the complement: CADPS is on the minus strand). VCF-style: chr3-62536580-G-A. GRCh37 (hg19) VCF-style: chr3-62522255-G-A.
Other names: c.1968C>T, p.Tyr656= (NM_183393.3, NM_183394.3).
Identifiers: ClinVar variation 3036175 (VCV003036175.2), dbSNP rs185882358, ClinGen allele CA2476832.